The following is an entry in ClinVar:

NM_015474.4(SAMHD1):c.1681_1682del (p.Ser561fs)

Gene: SAMHD1 (SAM and HD domain containing deoxynucleoside triphosphate triphosphohydrolase 1; minus strand). Cytogenetic location: 20q11.23.
Variant type: Microsatellite.
Coding change: c.1681_1682del on transcript NM_015474.4 (MANE Select); coding-DNA positions 1681 to 1682, 2 bases deleted (AG; older notation c.1681_1682delAG).
Protein change: p.Ser561fs; shifts the reading frame from serine 561.
Molecular consequence: frameshift variant.
Genome position (GRCh38, 1-based): chr20:36,897,886-36,897,887, CT deleted on the plus strand (AG on the coding strand, the reverse complement: SAMHD1 is on the minus strand); deleting any 2 consecutive bases within chr20:36,897,886-36,897,889 gives the same sequence; the c. name uses the placement nearest the transcript's 3' end. VCF-style (leftmost placement, unchanged base first): chr20-36897885-ACT-A. GRCh37 (hg19) VCF-style: chr20-35526288-ACT-A.
Other names: c.1576_1577del, p.Ser526fs (NM_001363729.2); c.1681_1682del, p.Ser561fs (NM_001363733.2); c.1681_1682del (NM_015474.3); short protein forms S526fs, S561fs.
Identifiers: ClinVar variation 2201078 (VCV002201078.3), dbSNP rs2515217377, ClinGen allele CA2580615015.
Genomic context (GRCh38, chr20:36,897,885, plus strand): 5'-CGGCTTGGTGAAATTTCTGTCTGCACACCACTGAACAAAATATTGTCTTGCGGCATACAA[ACT>A]CTTTCTGTCCACCTTCTTACAATATACTCGAATCAGCTGCTCTGCAAATTTCTCTGGCAG-3'

ClinVar aggregate classification (germline): Conflicting classifications of pathogenicity. Review status: criteria provided, conflicting classifications (1 of 4 stars). 3 submissions from 3 submitters: Likely pathogenic (2); Uncertain significance (1). Last evaluated 2024-10-03.

Conditions:
Chilblain lupus 2 (CHBL2). Identifiers: MedGen C3280721, MONDO:0013739, OMIM 614415.
Aicardi-Goutieres syndrome 5. Identifiers: Orphanet 51, MedGen C2749659, MONDO:0013059, OMIM 612952.
Aicardi Goutieres syndrome (AGS). Also called: Encephalopathy, familial infantile, with calcification of basal ganglia and chronic cerebrospinal fluid lymphocytosis. Identifiers: Orphanet 51, MedGen C0393591, MONDO:0018866.

Submissions (3):

Natera, Inc.
Classification: Likely pathogenic for Aicardi-Goutieres syndrome. Last evaluated: 2024-10-03. Review status: criteria provided, single submitter. Criteria: Natera Variant Classification Schema (03/2026). Collection method: clinical testing. Allele origin: germline.
Comment: The c.1681_1682del variant in SAMHD1 is a frameshift variant predicted to shift the reading frame beginning at codon 561 and leads to a stop codon 61 codons downstream. This variant is expected to result in nonsense mediated decay, truncation, or a dysfunctional protein product. This variant is rare in the general population with a frequency below the threshold expected for the associated phenotype(s). This variant has been observed in one or more individuals affected with the associated recessive disease, as either homozygous or compound heterozygous with a second variant (PMID: 34093558). Additionally, this variant has been observed to segregate in affected family members (PMID: 34093558). Given the available evidence, this variant is classified as Likely Pathogenic.

Fulgent Genetics
Classification: Likely pathogenic for Aicardi-Goutieres syndrome 5; Chilblain lupus 2. Last evaluated: 2024-04-06. Review status: criteria provided, single submitter. Criteria: ACMG Guidelines, 2015. Collection method: clinical testing. Allele origin: germline.

Labcorp Genetics (formerly Invitae), Labcorp
Classification: Uncertain significance for Aicardi-Goutieres syndrome 5. Last evaluated: 2022-08-19. Review status: criteria provided, single submitter. Criteria: Invitae Variant Classification Sherloc (09022015). Collection method: clinical testing. Allele origin: germline.
Comment: This sequence change creates a premature translational stop signal (p.Ser561Phefs*61) in the SAMHD1 gene. While this is not anticipated to result in nonsense mediated decay, it is expected to disrupt the last 66 amino acid(s) of the SAMHD1 protein. This variant is not present in population databases (gnomAD no frequency). This premature translational stop signal has been observed in individual(s) with Aicardi-Goutieres syndrome (PMID: 34093558). Experimental studies and prediction algorithms are not available or were not evaluated, and the functional significance of this variant is currently unknown. Algorithms developed to predict the effect of sequence changes on RNA splicing suggest that this variant may create or strengthen a splice site. This variant disrupts a region of the SAMHD1 protein in which other variant(s) (p.Ala565Thr) have been observed in individuals with SAMHD1-related conditions (PMID: 25604658). This suggests that this is a clinically significant region of the protein, and that variants that disrupt it are likely to be disease-causing. In summary, the available evidence is currently insufficient to determine the role of this variant in disease. Therefore, it has been classified as a Variant of Uncertain Significance.

Literature cited by the submitters: PubMed 34093558 (cited by Natera, Inc. and Labcorp Genetics (formerly Invitae), Labcorp); PubMed 25604658 (cited by Labcorp Genetics (formerly Invitae), Labcorp).